The following is an entry in ClinVar:

NM_000036.3(AMPD1):c.2126G>A (p.Gly709Asp)

Gene: AMPD1 (adenosine monophosphate deaminase 1; minus strand). Cytogenetic location: 1p13.2.
Variant type: single nucleotide variant.
Coding change: c.2126G>A on transcript NM_000036.3 (MANE Select); coding-DNA position 2126, G replaced by A.
Protein change: p.Gly709Asp; replaces glycine 709 with aspartic acid.
Molecular consequence: missense variant.
Genome position (GRCh38, 1-based): chr1:114,673,232, C>T on the plus strand (G>A on the coding strand, the complement: AMPD1 is on the minus strand). VCF-style: chr1-114673232-C-T. GRCh37 (hg19) VCF-style: chr1-115215853-C-T.
Other names: c.2114G>A, p.Gly705Asp (NM_001172626.2); short protein forms G705D, G709D.
Identifiers: ClinVar variation 2963358 (VCV002963358.3), dbSNP rs1657883835, ClinGen allele CA341742682.

ClinVar aggregate classification (germline): Uncertain significance (1 of 4 stars; one submission).

Conditions:
Muscle AMP deaminase deficiency (MMDD). Also called: Myoadenylate deaminase deficiency, myopathy due to; Adenosine monophosphate deaminase 1 deficiency; AMP deaminase 1 deficiency; Adenosine Monophosphate Deaminase 1; ADENOSINE MONOPHOSPHATE DEAMINASE-1 DEFICIENCY, MYOPATHY DUE TO; AMPD1 DEFICIENCY. Identifiers: Orphanet 45, MedGen C3714933, MONDO:0014220, OMIM 615511.

Allele frequency attached by ClinVar (database versions not stated): gnomAD exomes below 0.00001; TOPMed 0.00001; gnomAD 0.00002.

Submission:

Labcorp Genetics (formerly Invitae), Labcorp
Classification: Uncertain significance for Muscle AMP deaminase deficiency. Last evaluated: 2024-02-23. Review status: criteria provided, single submitter. Criteria: Invitae Variant Classification Sherloc (09022015). Collection method: clinical testing. Allele origin: germline.
Comment: This sequence change replaces glycine, which is neutral and non-polar, with aspartic acid, which is acidic and polar, at codon 742 of the AMPD1 protein (p.Gly742Asp). This variant is not present in population databases (gnomAD no frequency). This variant has not been reported in the literature in individuals affected with AMPD1-related conditions. An algorithm developed to predict the effect of missense changes on protein structure and function (PolyPhen-2) suggests that this variant is likely to be disruptive. In summary, the available evidence is currently insufficient to determine the role of this variant in disease. Therefore, it has been classified as a Variant of Uncertain Significance.